The following is an entry in ClinVar:

ClinVar aggregate classification (germline): Uncertain significance. Review status: criteria provided, multiple submitters, no conflicts (2 of 4 stars). 3 submissions from 3 submitters: Uncertain significance (3). Last evaluated 2025-03-02.

Conditions:
Hereditary cancer-predisposing syndrome. Also called: Tumor predisposition; Neoplastic Syndromes, Hereditary; Hereditary Cancer Syndrome; Hereditary neoplastic syndrome. Identifiers: Orphanet 140162, MedGen C0027672, MeSH D009386, MONDO:0015356.
Ataxia-telangiectasia syndrome (AT). Also called: Ataxia-telangiectasia; Ataxia-telangiectasia, complementation group D; AT, COMPLEMENTATION GROUP C; LOUIS-BAR SYNDROME; Cerebello-oculocutaneous telangiectasia; Immunodeficiency with ataxia telangiectasia. Identifiers: Orphanet 100, MedGen C0004135, MONDO:0008840, OMIM 208900.

Allele frequency attached by ClinVar (database versions not stated): gnomAD exomes below 0.00001; ExAC 0.00001.
gnomAD v4.1: 3 of 1,613,854 alleles (0.00019%); highest among the groups gnomAD compares: East Asian, 0.0022%; no homozygotes.

Submissions (3):

Labcorp Genetics (formerly Invitae), Labcorp
Classification: Uncertain significance for Ataxia-telangiectasia syndrome. Last evaluated: 2025-03-02. Review status: criteria provided, single submitter. Criteria: Invitae Variant Classification Sherloc (09022015). Collection method: clinical testing. Allele origin: germline.
Comment: This sequence change replaces proline, which is neutral and non-polar, with leucine, which is neutral and non-polar, at codon 1526 of the ATM protein (p.Pro1526Leu). This variant is present in population databases (rs770590652, gnomAD 0.006%). This variant has not been reported in the literature in individuals affected with ATM-related conditions. ClinVar contains an entry for this variant (Variation ID: 489548). Invitae Evidence Modeling of protein sequence and biophysical properties (such as structural, functional, and spatial information, amino acid conservation, physicochemical variation, residue mobility, and thermodynamic stability) has been performed for this missense variant. However, the output from this modeling did not meet the statistical confidence thresholds required to predict the impact of this variant on ATM protein function. In summary, the available evidence is currently insufficient to determine the role of this variant in disease. Therefore, it has been classified as a Variant of Uncertain Significance.

Ambry Genetics
Classification: Uncertain significance for Hereditary cancer-predisposing syndrome. Last evaluated: 2022-10-29. Review status: criteria provided, single submitter. Criteria: Ambry Variant Classification Scheme 2023. Collection method: clinical testing. Allele origin: germline.
Comment: The p.P1526L variant (also known as c.4577C>T), located in coding exon 29 of the ATM gene, results from a C to T substitution at nucleotide position 4577. The proline at codon 1526 is replaced by leucine, an amino acid with similar properties. This amino acid position is well conserved in available vertebrate species. In addition, the in silico prediction for this alteration is inconclusive. Since supporting evidence is limited at this time, the clinical significance of this alteration remains unclear.

Color Diagnostics, LLC DBA Color Health
Classification: Uncertain significance for Hereditary cancer-predisposing syndrome. Last evaluated: 2019-06-04. Review status: criteria provided, single submitter. Criteria: ACMG Guidelines, 2015. Collection method: clinical testing. Allele origin: germline.

NM_000051.4(ATM):c.4577C>T (p.Pro1526Leu)

Gene: ATM (ATM serine/threonine kinase; plus strand). Cytogenetic location: 11q22.3.
Variant type: single nucleotide variant.
Coding change: c.4577C>T on transcript NM_000051.4 (MANE Select); coding-DNA position 4577, C replaced by T.
Protein change: p.Pro1526Leu; replaces proline 1526 with leucine.
Molecular consequence: missense variant.
Genome position (GRCh38, 1-based): chr11:108,292,759, C>T. VCF-style: chr11-108292759-C-T. GRCh37 (hg19) VCF-style: chr11-108163486-C-T.
Other names: c.4577C>T, p.Pro1526Leu (NM_001351834.2); short protein forms P1526L.
Identifiers: ClinVar variation 489548 (VCV000489548.14), dbSNP rs770590652, ClinGen allele CA6265498.